The following is an entry in ClinVar:

NM_001377.3(DYNC2H1):c.7813A>G (p.Thr2605Ala)

Gene: DYNC2H1 (dynein cytoplasmic 2 heavy chain 1; plus strand). Cytogenetic location: 11q22.3.
Variant type: single nucleotide variant.
Coding change: c.7813A>G on transcript NM_001377.3 (MANE Select); coding-DNA position 7813, A replaced by G.
Protein change: p.Thr2605Ala; replaces threonine 2605 with alanine.
Molecular consequence: missense variant.
Genome position (GRCh38, 1-based): chr11:103,198,037, A>G. VCF-style: chr11-103198037-A-G. GRCh37 (hg19) VCF-style: chr11-103068766-A-G.
Other names: c.7813A>G, p.Thr2605Ala (NM_001080463.2); short protein forms T2605A.
Identifiers: ClinVar variation 3714447 (VCV003714447.2).
Genomic context (GRCh38, chr11:103,198,037, plus strand): 5'-AGGGCAGCCCCAGGACAACCATTACCTCCACATGGAAAACCACTTGGAAAACTAAACTCT[A>G]CTGATCTCAAGGATGTTATTAAAAAGGTATAATATGAATCATTAATTGGAACTGGGATTT-3'
Protein context (NP_001368.2, residues 2595-2615): HGKPLGKLNS[Thr2605Ala]DLKDVIKKGL

ClinVar aggregate classification (germline): Uncertain significance (1 of 4 stars; one submission).

Conditions:
Jeune thoracic dystrophy. Also called: Jeune syndrome; Infantile thoracic dystrophy; Thoracic pelvic phalangeal dystrophy; Jeune's syndrome; Chondroectodermal dysplasia-like syndrome; Short-rib thoracic dysplasia. Identifiers: Orphanet 474, MedGen C0265275, MONDO:0018770.

gnomAD v4.1: 3 of 1,552,616 alleles (0.00019%); highest among the groups gnomAD compares: Non-Finnish European, 0.00017%; no homozygotes.

Submission:

Labcorp Genetics (formerly Invitae), Labcorp
Classification: Uncertain significance for Jeune thoracic dystrophy. Last evaluated: 2024-02-20. Review status: criteria provided, single submitter. Criteria: Invitae Variant Classification Sherloc (09022015). Collection method: clinical testing. Allele origin: germline.
Comment: This sequence change replaces threonine, which is neutral and polar, with alanine, which is neutral and non-polar, at codon 2605 of the DYNC2H1 protein (p.Thr2605Ala). This variant is present in population databases (no rsID available, gnomAD 0.002%). This variant has not been reported in the literature in individuals affected with DYNC2H1-related conditions. Advanced modeling of protein sequence and biophysical properties (such as structural, functional, and spatial information, amino acid conservation, physicochemical variation, residue mobility, and thermodynamic stability) performed at Invitae indicates that this missense variant is not expected to disrupt DYNC2H1 protein function with a negative predictive value of 95%. In summary, the available evidence is currently insufficient to determine the role of this variant in disease. Therefore, it has been classified as a Variant of Uncertain Significance.